The following is an entry in ClinVar:

ClinVar aggregate classification (germline): Uncertain significance (1 of 4 stars; one submission).

Conditions:
Cataract 22 multiple types. Also called: CATARACT 22, MULTIPLE TYPES, AUTOSOMAL DOMINANT; CATARACT 22, NUCLEAR, AUTOSOMAL RECESSIVE; Cataract 22. Identifiers: Orphanet 91492, MedGen C1857853, MONDO:0012336, OMIM 609741.

Allele frequency attached by ClinVar (database versions not stated): gnomAD exomes below 0.00001 and 0.00001; ExAC 0.00001.
gnomAD v4.1: 9 of 1,612,078 alleles (0.00056%); highest among the groups gnomAD compares: South Asian, 0.0044%; no homozygotes.

Submission:

Labcorp Genetics (formerly Invitae), Labcorp
Classification: Uncertain significance for Cataract 22 multiple types. Last evaluated: 2019-02-19. Review status: criteria provided, single submitter. Criteria: Invitae Variant Classification Sherloc (09022015). Collection method: clinical testing. Allele origin: germline.
Comment: In summary, the available evidence is currently insufficient to determine the role of this variant in disease. Therefore, it has been classified as a Variant of Uncertain Significance. Algorithms developed to predict the effect of sequence changes on RNA splicing suggest that this variant may disrupt the consensus splice site, but this prediction has not been confirmed by published transcriptional studies. This variant has not been reported in the literature in individuals with CRYBB3-related conditions. This variant is present in population databases (rs776776705, ExAC 0.006%). This sequence change falls in intron 5 of the CRYBB3 gene. It does not directly change the encoded amino acid sequence of the CRYBB3 protein.

NM_004076.5(CRYBB3):c.471-5G>A

Gene: CRYBB3 (crystallin beta B3; plus strand). Cytogenetic location: 22q11.23.
Variant type: single nucleotide variant.
Coding change: c.471-5G>A on transcript NM_004076.5 (MANE Select); 5 bases into the intron before coding-DNA position 471, G replaced by A.
Molecular consequence: intron variant.
Genome position (GRCh38, 1-based): chr22:25,207,042, G>A. VCF-style: chr22-25207042-G-A. GRCh37 (hg19) VCF-style: chr22-25603009-G-A.
Identifiers: ClinVar variation 653862 (VCV000653862.9), dbSNP rs776776705, ClinGen allele CA10157819.